The following is an entry in ClinVar:

NM_000642.3(AGL):c.2337T>C (p.Ala779=)

Gene: AGL (amylo-alpha-1,6-glucosidase and 4-alpha-glucanotransferase; plus strand). Cytogenetic location: 1p21.2.
Variant type: single nucleotide variant.
Coding change: c.2337T>C on transcript NM_000642.3 (MANE Select); coding-DNA position 2337, T replaced by C.
Protein change: p.Ala779=; no amino-acid change (alanine 779 retained).
Molecular consequence: synonymous variant.
Genome position (GRCh38, 1-based): chr1:99,884,148, T>C. VCF-style: chr1-99884148-T-C. GRCh37 (hg19) VCF-style: chr1-100349704-T-C.
Other names: c.2337T>C, p.Ala779= (NM_000028.3, NM_000643.3, NM_000644.3 and 2 more transcripts); c.2289T>C, p.Ala763= (NM_000646.3); c.2136T>C, p.Ala712= (NM_001425327.1); c.2133T>C, p.Ala711= (NM_001425328.1, NM_001425329.1); c.1959T>C, p.Ala653= (NM_001425332.1).
Identifiers: ClinVar variation 511390 (VCV000511390.9), dbSNP rs928189171, ClinGen allele CA27518894.

ClinVar aggregate classification (germline): Likely benign. Review status: criteria provided, multiple submitters, no conflicts (2 of 4 stars). 3 submissions from 3 submitters: Likely benign (3). Last evaluated 2025-12-08.

Conditions:
Glycogen storage disease type III (GSD3). Also called: Cori disease; FORBES DISEASE. Identifiers: Orphanet 366, MedGen C0017922, MONDO:0009291, OMIM 232400.

Allele frequency attached by ClinVar (database versions not stated): TOPMed below 0.00001; gnomAD 0.00001; gnomAD exomes 0.00001.
gnomAD v4.1: 7 of 1,611,758 alleles (0.00043%); highest among the groups gnomAD compares: Non-Finnish European, 0.00059%; no homozygotes.

Submissions (3):

Labcorp Genetics (formerly Invitae), Labcorp
Classification: Likely benign for Glycogen storage disease type III. Last evaluated: 2025-12-08. Review status: criteria provided, single submitter. Criteria: Invitae Variant Classification Sherloc (09022015). Collection method: clinical testing. Allele origin: germline.

Genome-Nilou Lab
Classification: Likely benign for Glycogen storage disease type III. Last evaluated: 2023-04-11. Review status: criteria provided, single submitter. Criteria: ACMG Guidelines, 2015. Collection method: clinical testing. Allele origin: germline. Affected: no.

GeneDx
Classification: Likely benign. Last evaluated: 2017-08-25. Review status: criteria provided, single submitter. Criteria: GeneDx Variant Classification (06012015). Collection method: clinical testing. Allele origin: germline. Affected: yes.
Comment: This variant is considered likely benign or benign based on one or more of the following criteria: it is a conservative change, it occurs at a poorly conserved position in the protein, it is predicted to be benign by multiple in silico algorithms, and/or has population frequency not consistent with disease.